The following is an entry in ClinVar:

NM_000093.5(COL5A1):c.5460C>T (p.Phe1820=)

Genes: COL5A1 (collagen type V alpha 1 chain; plus strand), LOC101448202 (uncharacterized LOC101448202; minus strand). Cytogenetic location: 9q34.3.
Variant type: single nucleotide variant.
Coding change: c.5460C>T on transcript NM_000093.5 (MANE Select); coding-DNA position 5460, C replaced by T.
Protein change: p.Phe1820=; no amino-acid change (phenylalanine 1820 retained).
Molecular consequence: synonymous variant.
Genome position (GRCh38, 1-based): chr9:134,842,246, C>T. VCF-style: chr9-134842246-C-T. GRCh37 (hg19) VCF-style: chr9-137734092-C-T.
Other names: c.5460C>T, p.Phe1820= (NM_001278074.1); c.5460C>T (NM_000093.4).
Identifiers: ClinVar variation 507986 (VCV000507986.16), dbSNP rs768460206, ClinGen allele CA5320752.
Genomic context (GRCh38, chr9:134,842,246, plus strand): 5'-GGAGATCGACACCCCCAAAGTGGAGCAGGTGCCCATCGTGGACATCATGTTCAATGACTT[C>T]GGTGAAGCGTCACAGAAATTTGGATTTGAAGTGGGGCCGGCTTGCTTCATGGGCTAGGAG-3'
Protein context (NP_000084.3, residues 1810-1830): VPIVDIMFND[Phe1820=]GEASQKFGFE

ClinVar aggregate classification (germline): Likely benign. Review status: criteria provided, multiple submitters, no conflicts (2 of 4 stars). 5 submissions from 5 submitters: Likely benign (4). 1 of the submissions does not count toward it. Last evaluated 2025-11-26.

Conditions:
Ehlers-Danlos syndrome, classic type, 1 (EDSCL1). Also called: EHLERS-DANLOS SYNDROME, GRAVIS TYPE; EHLERS-DANLOS SYNDROME, SEVERE CLASSIC TYPE; EDS I; Ehlers-Danlos Syndrome, Classic Type, COL5A1-Related; Ehlers-Danlos syndrome, type 1. Identifiers: MedGen C0268335, MONDO:0019567, OMIM 130000.
Familial thoracic aortic aneurysm and aortic dissection (TAAD). Also called: Thoracic aortic aneurysms and dissections. Identifiers: Orphanet 91387, MedGen C4707243, MONDO:0019625.
COL5A1-related disorder. Also called: COL5A1-related condition.

Allele frequency attached by ClinVar (database versions not stated): gnomAD exomes 0.00002; TOPMed 0.00003; gnomAD 0.00002; ExAC 0.00002.
gnomAD v4.1: 26 of 1,614,096 alleles (0.0016%); highest among the groups gnomAD compares: East Asian, 0.0022%; no homozygotes.

Submissions (5):

Labcorp Genetics (formerly Invitae), Labcorp
Classification: Likely benign for Ehlers-Danlos syndrome, classic type, 1. Last evaluated: 2025-11-26. Review status: criteria provided, single submitter. Criteria: Invitae Variant Classification Sherloc (09022015). Collection method: clinical testing. Allele origin: germline.

Women's Health and Genetics/Laboratory Corporation of America, LabCorp
Classification: Likely benign. Last evaluated: 2025-11-01. Review status: criteria provided, single submitter. Criteria: LabCorp Variant Classification Summary - May 2015. Collection method: clinical testing. Allele origin: germline.

GeneDx
Classification: Likely benign. Last evaluated: 2017-06-16. Review status: criteria provided, single submitter. Criteria: GeneDx Variant Classification (06012015). Collection method: clinical testing. Allele origin: germline. Affected: yes.
Comment: This variant is considered likely benign or benign based on one or more of the following criteria: it is a conservative change, it occurs at a poorly conserved position in the protein, it is predicted to be benign by multiple in silico algorithms, and/or has population frequency not consistent with disease.

Ambry Genetics
Classification: Likely benign for Familial thoracic aortic aneurysm and aortic dissection. Last evaluated: 2017-04-03. Review status: criteria provided, single submitter. Criteria: Ambry Variant Classification Scheme 2023. Collection method: clinical testing. Allele origin: germline.

PreventionGenetics, part of Exact Sciences
Classification: Likely benign for COL5A1-related condition. Last evaluated: 2021-11-23. Review status: no assertion criteria provided. Collection method: clinical testing. Allele origin: germline. Not counted in ClinVar's aggregate classification.
Comment: This variant is classified as likely benign based on ACMG/AMP sequence variant interpretation guidelines (Richards et al. 2015 PMID: 25741868, with internal and published modifications).